The following is an entry in ClinVar:

ClinVar aggregate classification (germline): Uncertain significance (1 of 4 stars; one submission).

Conditions:
Heterotopia, periventricular, X-linked dominant (PVNH1). Also called: PERIVENTRICULAR NODULAR HETEROTOPIA 1; X-linked periventricular heterotopia; PERIVENTRICULAR NODULAR HETEROTOPIA 4; HETEROTOPIA, PERIVENTRICULAR, 1. Identifiers: Orphanet 2149, Orphanet 82004, MedGen C1848213, MONDO:0010233, OMIM 300049.
Melnick-Needles syndrome (MNS). Also called: MELNICK-NEEDLES OSTEODYSPLASTY; OSTEODYSPLASTY OF MELNICK AND NEEDLES; Melnick-Needles Syndrome (FLNA-MNS). Identifiers: Orphanet 2484, MedGen C0025237, MONDO:0010650, OMIM 309350.
Frontometaphyseal dysplasia (FMD1). Identifiers: Orphanet 1826, MedGen C0265293, MONDO:0015942.
Oto-palato-digital syndrome, type II (OPD2). Also called: FACIOPALATOOSSEOUS SYNDROME; OPD II SYNDROME; Otopalatodigital Syndrome Type 2 (FLNA-OPD2); Otopalatodigital Syndrome, Type II. Identifiers: Orphanet 669, Orphanet 90652, MedGen C1844696, MONDO:0010571, OMIM 304120.

gnomAD v4.1: 1 of 1,212,086 alleles (0.000083%); highest among the groups gnomAD compares: Non-Finnish European, 0.00011%; no homozygotes.

Submission:

Labcorp Genetics (formerly Invitae), Labcorp
Classification: Uncertain significance for Oto-palato-digital syndrome, type II; Heterotopia, periventricular, X-linked dominant; Frontometaphyseal dysplasia; Melnick-Needles syndrome. Last evaluated: 2025-11-02. Review status: criteria provided, single submitter. Criteria: Invitae Variant Classification Sherloc (09022015). Collection method: clinical testing. Allele origin: germline.
Comment: This sequence change replaces serine, which is neutral and polar, with phenylalanine, which is neutral and non-polar, at codon 343 of the FLNA protein (p.Ser343Phe). This variant is not present in population databases (gnomAD no frequency). This variant has not been reported in the literature in individuals affected with FLNA-related conditions. Invitae Evidence Modeling of protein sequence and biophysical properties (such as structural, functional, and spatial information, amino acid conservation, physicochemical variation, residue mobility, and thermodynamic stability) indicates that this missense variant is not expected to disrupt FLNA protein function with a negative predictive value of 95%. In summary, the available evidence is currently insufficient to determine the role of this variant in disease. Therefore, it has been classified as a Variant of Uncertain Significance.

NM_001110556.2(FLNA):c.1028C>T (p.Ser343Phe)

Gene: FLNA (filamin A; minus strand). Cytogenetic location: Xq28.
Variant type: single nucleotide variant.
Coding change: c.1028C>T on transcript NM_001110556.2 (MANE Select); coding-DNA position 1028, C replaced by T.
Protein change: p.Ser343Phe; replaces serine 343 with phenylalanine.
Molecular consequence: missense variant.
Genome position (GRCh38, 1-based): chrX:154,366,599, G>A on the plus strand (C>T on the coding strand, the complement: FLNA is on the minus strand). VCF-style: chrX-154366599-G-A. GRCh37 (hg19) VCF-style: chrX-153594967-G-A.
Other names: c.1028C>T, p.Ser343Phe (NM_001456.4); short protein forms S343F.
Identifiers: ClinVar variation 4794116 (VCV004794116.1).